The following is an entry in ClinVar:

NC_000015.9:g.(?_76508890)_(76603739_?)del

Gene: ETFA (electron transfer flavoprotein subunit alpha; minus strand). Cytogenetic location: 15q24.2-24.3.
Variant type: Deletion.
Identifiers: ClinVar variation 1454539 (VCV001454539.5).

ClinVar aggregate classification (germline): Pathogenic (1 of 4 stars; one submission).

Conditions:
Multiple acyl-CoA dehydrogenase deficiency (MADD). Also called: Glutaric acidemia type II; GA 2; ETHYLMALONIC-ADIPICACIDURIA; GA II; Glutaric Acidemia type 2; Glutaric aciduria, type 2. Identifiers: Orphanet 26791, MedGen C0268596, MONDO:0009282, OMIM 231680.

Submission:

Labcorp Genetics (formerly Invitae), Labcorp
Classification: Pathogenic for Multiple acyl-CoA dehydrogenase deficiency. Last evaluated: 2021-08-19. Review status: criteria provided, single submitter. Criteria: Invitae Variant Classification Sherloc (09022015). Collection method: clinical testing. Allele origin: germline.
Comment: For these reasons, this variant has been classified as Pathogenic. This variant has not been reported in the literature in individuals affected with ETFA-related conditions. A gross deletion of the genomic region encompassing the full coding sequence of the ETFA gene has been identified. Loss-of-function variants in ETFA are known to be pathogenic (PMID: 16510302, 23785301). The boundaries of this event are unknown as they extend beyond the assayed region for this gene and therefore may encompass additional genes.

Literature cited by the submitters: PubMed 16510302; PubMed 23785301.